The following is an entry in ClinVar:

NM_001458.5(FLNC):c.2169C>T (p.Asp723=)

Gene: FLNC (filamin C; plus strand). Cytogenetic location: 7q32.1.
Variant type: single nucleotide variant.
Coding change: c.2169C>T on transcript NM_001458.5 (MANE Select); coding-DNA position 2169, C replaced by T.
Protein change: p.Asp723=; no amino-acid change (aspartic acid 723 retained).
Molecular consequence: synonymous variant.
Genome position (GRCh38, 1-based): chr7:128,842,278, C>T. VCF-style: chr7-128842278-C-T. GRCh37 (hg19) VCF-style: chr7-128482332-C-T.
Other names: c.2169C>T, p.Asp723= (NM_001127487.2).
Identifiers: ClinVar variation 539490 (VCV000539490.15), dbSNP rs377553322, ClinGen allele CA4474628.

ClinVar aggregate classification (germline): Likely benign. Review status: criteria provided, multiple submitters, no conflicts (2 of 4 stars). 4 submissions from 4 submitters: Likely benign (4). Last evaluated 2026-08-10.

Conditions:
FLNC-related disorder. Also called: FLNC-related disorders; FLNC-related condition.
Cardiovascular phenotype. Identifiers: MedGen CN230736.
Hypertrophic cardiomyopathy 26. Also called: Cardiomyopathy, familial hypertrophic, 26. Identifiers: Orphanet 75249, MedGen C4310749, MONDO:0014883, OMIM 617047.
Distal myopathy with posterior leg and anterior hand involvement. Also called: WILLIAMS DISTAL MYOPATHY. Identifiers: Orphanet 63273, MedGen C3279722, MONDO:0013550, OMIM 614065.
Myofibrillar myopathy 5. Also called: Filaminopathy (type); FILAMINOPATHY, AUTOSOMAL DOMINANT. Identifiers: Orphanet 171445, MedGen C1836050, MONDO:0012289, OMIM 609524.

Allele frequency attached by ClinVar (database versions not stated): gnomAD 0.00001 and 0.00002; gnomAD exomes 0.00002; TOPMed 0.00002; ExAC 0.00004; ESP Exome Variant Server 0.00008; 1000 Genomes Project 30x 0.00016; 1000 Genomes Project 0.00020.
gnomAD v4.1: 57 of 1,613,760 alleles (0.0035%); highest among the groups gnomAD compares: Middle Eastern, 0.016%; no homozygotes.

Submissions (4):

PreventionGenetics, part of Exact Sciences
Classification: Likely benign for FLNC-related condition. Last evaluated: 2026-08-10. Review status: criteria provided, single submitter. Criteria: ACMG Guidelines, 2015. Collection method: clinical testing. Allele origin: germline.
Comment: This variant is classified as likely benign based on ACMG/AMP sequence variant interpretation guidelines (Richards et al. 2015 PMID: 25741868, with internal and published modifications).

Labcorp Genetics (formerly Invitae), Labcorp
Classification: Likely benign for Distal myopathy with posterior leg and anterior hand involvement; Myofibrillar myopathy 5; Hypertrophic cardiomyopathy 26. Last evaluated: 2026-01-27. Review status: criteria provided, single submitter. Criteria: Invitae Variant Classification Sherloc (09022015). Collection method: clinical testing. Allele origin: germline.

Blueprint Genetics
Classification: Likely benign. Last evaluated: 2024-07-19. Review status: criteria provided, single submitter. Criteria: ACMG Guidelines, 2015. Collection method: clinical testing. Allele origin: germline.

Ambry Genetics
Classification: Likely benign for Cardiovascular phenotype. Last evaluated: 2019-11-01. Review status: criteria provided, single submitter. Criteria: Ambry Variant Classification Scheme 2023. Collection method: clinical testing. Allele origin: germline.